The following is an entry in ClinVar:

ClinVar aggregate classification (germline): Likely benign. Review status: criteria provided, multiple submitters, no conflicts (2 of 4 stars). 2 submissions from 2 submitters: Likely benign (2). Last evaluated 2026-02-02.

Conditions:
BGN-related disorder. Also called: BGN-related condition.

Submissions (2):

PreventionGenetics, part of Exact Sciences
Classification: Likely benign for BGN-related condition. Last evaluated: 2026-02-02. Review status: criteria provided, single submitter. Criteria: ACMG Guidelines, 2015. Collection method: clinical testing. Allele origin: germline.
Comment: This variant is classified as likely benign based on ACMG/AMP sequence variant interpretation guidelines (Richards et al. 2015 PMID: 25741868, with internal and published modifications).

Labcorp Genetics (formerly Invitae), Labcorp
Classification: Likely benign. Last evaluated: 2024-08-22. Review status: criteria provided, single submitter. Criteria: Invitae Variant Classification Sherloc (09022015). Collection method: clinical testing. Allele origin: germline.

NM_001711.6(BGN):c.90C>T (p.Asp30=)

Gene: BGN (biglycan; plus strand). Cytogenetic location: Xq28.
Variant type: single nucleotide variant.
Coding change: c.90C>T on transcript NM_001711.6 (MANE Select); coding-DNA position 90, C replaced by T.
Protein change: p.Asp30=; no amino-acid change (aspartic acid 30 retained).
Molecular consequence: synonymous variant.
Genome position (GRCh38, 1-based): chrX:153,504,721, C>T. VCF-style: chrX-153504721-C-T. GRCh37 (hg19) VCF-style: chrX-152770179-C-T.
Other names: c.90C>T (NM_001711.5).
Identifiers: ClinVar variation 3714985 (VCV003714985.3).
Genomic context (GRCh38, chrX:153,504,721, plus strand): 5'-GCTGGCCCTGAGCCAGGCCCTGCCCTTTGAGCAGAGAGGCTTCTGGGACTTCACCCTGGA[C>T]GATGGGCCATTCATGATGAACGATGAGGAAGCTTCGGGCGCTGACACCTCGGGCGTCCTG-3'
Protein context (NP_001702.1, residues 20-40): EQRGFWDFTL[Asp30=]DGPFMMNDEE